The following is an entry in ClinVar:

ClinVar aggregate classification (germline): Uncertain significance (1 of 4 stars; one submission).

Allele frequency attached by ClinVar (database versions not stated): TOPMed 0.00001.
gnomAD v4.1: 6 of 1,592,230 alleles (0.00038%); highest among the groups gnomAD compares: Admixed American, 0.01%; no homozygotes.

Submission:

Labcorp Genetics (formerly Invitae), Labcorp
Classification: Uncertain significance. Last evaluated: 2026-01-25. Review status: criteria provided, single submitter. Criteria: Invitae Variant Classification Sherloc (09022015). Collection method: clinical testing. Allele origin: germline.
Comment: This sequence change replaces lysine, which is basic and polar, with asparagine, which is neutral and polar, at codon 1154 of the JAK1 protein (p.Lys1154Asn). This variant is present in population databases (rs769371012, gnomAD 0.01%). This variant has not been reported in the literature in individuals affected with JAK1-related conditions. ClinVar contains an entry for this variant (Variation ID: 1367133). An algorithm developed to predict the effect of missense changes on protein structure and function (PolyPhen-2) suggests that this variant is likely to be tolerated. In summary, the available evidence is currently insufficient to determine the role of this variant in disease. Therefore, it has been classified as a Variant of Uncertain Significance.

NM_002227.4(JAK1):c.3462A>T (p.Lys1154Asn)

Gene: JAK1 (Janus kinase 1; minus strand). Cytogenetic location: 1p31.3.
Variant type: single nucleotide variant.
Coding change: c.3462A>T on transcript NM_002227.4 (MANE Select); coding-DNA position 3462, A replaced by T.
Protein change: p.Lys1154Asn; replaces lysine 1154 with asparagine.
Molecular consequence: missense variant.
Genome position (GRCh38, 1-based): chr1:64,834,565, T>A on the plus strand (A>T on the coding strand, the complement: JAK1 is on the minus strand). VCF-style: chr1-64834565-T-A. GRCh37 (hg19) VCF-style: chr1-65300248-T-A.
Other names: c.3462A>T, p.Lys1154Asn (NM_001320923.2, NM_001321852.2, NM_001321853.2 and 3 more transcripts); c.3459A>T, p.Lys1153Asn (NM_001321857.2); short protein forms K1154N, K1153N.
Identifiers: ClinVar variation 1367133 (VCV001367133.8), dbSNP rs769371012, ClinGen allele CA892434.